The following is an entry in ClinVar:

NM_004393.6(DAG1):c.1097C>T (p.Pro366Leu)

Gene: DAG1 (dystroglycan 1; plus strand). Cytogenetic location: 3p21.31.
Variant type: single nucleotide variant.
Coding change: c.1097C>T on transcript NM_004393.6 (MANE Select); coding-DNA position 1097, C replaced by T.
Protein change: p.Pro366Leu; replaces proline 366 with leucine.
Molecular consequence: missense variant.
Genome position (GRCh38, 1-based): chr3:49,531,608, C>T. VCF-style: chr3-49531608-C-T. GRCh37 (hg19) VCF-style: chr3-49569041-C-T.
Other names: c.1097C>T, p.Pro366Leu (NM_001177639.3, NM_001177640.3, NM_001177641.3 and 9 more transcripts); short protein forms P366L.
Identifiers: ClinVar variation 2940208 (VCV002940208.3), dbSNP rs1207844710, ClinGen allele CA352794724.

ClinVar aggregate classification (germline): Uncertain significance (1 of 4 stars; one submission).

Conditions:
Autosomal recessive limb-girdle muscular dystrophy type 2P. Also called: MUSCULAR DYSTROPHY-DYSTROGLYCANOPATHY, LIMB-GIRDLE, DAG1-RELATED; MUSCULAR DYSTROPHY, LIMB-GIRDLE, TYPE 2P; Limb-Girdle Muscular Dystrophy Type 9C. Identifiers: Orphanet 280333, MedGen C4511963, MONDO:0013440, OMIM 613818.
Muscular dystrophy-dystroglycanopathy (congenital with brain and eye anomalies), type A9. Also called: WALKER-WARBURG SYNDROME OR MUSCLE-EYE BRAIN DISEASE, DAG1-RELATED; Muscular dystrophy-dystroglycanopathy (congenital with brain and eye anomalies), type a, 9. Identifiers: Orphanet 370997, Orphanet 899, MedGen C4225291, MONDO:0014683, OMIM 616538.

Allele frequency attached by ClinVar (database versions not stated): gnomAD exomes below 0.00001.

Submission:

Labcorp Genetics (formerly Invitae), Labcorp
Classification: Uncertain significance for Autosomal recessive limb-girdle muscular dystrophy type 2P; Muscular dystrophy-dystroglycanopathy (congenital with brain and eye anomalies), type A9. Last evaluated: 2023-08-14. Review status: criteria provided, single submitter. Criteria: Invitae Variant Classification Sherloc (09022015). Collection method: clinical testing. Allele origin: germline.
Comment: This sequence change replaces proline, which is neutral and non-polar, with leucine, which is neutral and non-polar, at codon 366 of the DAG1 protein (p.Pro366Leu). This variant is present in population databases (no rsID available, gnomAD 0.006%). This variant has not been reported in the literature in individuals affected with DAG1-related conditions. In summary, the available evidence is currently insufficient to determine the role of this variant in disease. Therefore, it has been classified as a Variant of Uncertain Significance. Advanced modeling of protein sequence and biophysical properties (such as structural, functional, and spatial information, amino acid conservation, physicochemical variation, residue mobility, and thermodynamic stability) performed at Invitae indicates that this missense variant is not expected to disrupt DAG1 protein function.